The following is an entry in ClinVar:

ClinVar aggregate classification (germline): Benign (1 of 4 stars; one submission).

Conditions:
Focal segmental glomerulosclerosis 3, susceptibility to (FSGS3). Identifiers: Orphanet 656, MedGen C1842982, MONDO:0011917, OMIM 607832.

Allele frequency attached by ClinVar (database versions not stated): gnomAD 0.00012 and 0.00017; TOPMed 0.00026; 1000 Genomes Project 0.00060; 1000 Genomes Project 30x 0.00078.
gnomAD v4.1: 25 of 152,006 alleles (0.016%); highest among the groups gnomAD compares: East Asian, 0.48%; no homozygotes.

Submission:

Illumina Laboratory Services, Illumina
Classification: Benign for Focal segmental glomerulosclerosis 3, susceptibility to. Last evaluated: 2018-01-13. Review status: criteria provided, single submitter. Criteria: ICSL Variant Classification Criteria 13 December 2019. Collection method: clinical testing. Allele origin: germline.
Comment: This variant was observed in the ICSL laboratory as part of a predisposition screen in an ostensibly healthy population. It had not been previously curated by ICSL or reported in the Human Gene Mutation Database (HGMD: prior to June 1st, 2018), and was therefore a candidate for classification through an automated scoring system. Utilizing variant allele frequency, disease prevalence and penetrance estimates, and inheritance mode, an automated score was calculated to assess if this variant is too frequent to cause the disease. Based on the score and internal cut-off values, a variant classified as benign is not then subjected to further curation. The score for this variant resulted in a classification of benign for this disease.

NM_012120.3(CD2AP):c.*1918A>C

Gene: CD2AP (CD2 associated protein; plus strand). Cytogenetic location: 6p12.3.
Variant type: single nucleotide variant.
Coding change: c.*1918A>C on transcript NM_012120.3 (MANE Select); 1918 bases downstream of the stop codon, A replaced by C.
Molecular consequence: 3 prime UTR variant.
Genome position (GRCh38, 1-based): chr6:47,626,145, A>C. VCF-style: chr6-47626145-A-C. GRCh37 (hg19) VCF-style: chr6-47593881-A-C.
Identifiers: ClinVar variation 911665 (VCV000911665.4), dbSNP rs576753032, ClinGen allele CA137939020.